The following is an entry in ClinVar:

NM_022575.4(VPS16):c.2298A>G (p.Gln766=)

Genes: PTPRA (protein tyrosine phosphatase receptor type A; plus strand), VPS16 (VPS16 core subunit of CORVET and HOPS complexes; plus strand). Cytogenetic location: 20p13.
Variant type: single nucleotide variant.
Coding change: c.2298A>G on transcript NM_022575.4 (MANE Select); coding-DNA position 2298, A replaced by G.
Protein change: p.Gln766=; no amino-acid change (glutamine 766 retained).
Molecular consequence: synonymous variant. On other transcripts: intron variant (1).
Genome position (GRCh38, 1-based): chr20:2,866,238, A>G. VCF-style: chr20-2866238-A-G. GRCh37 (hg19) VCF-style: chr20-2846884-A-G.
Other names: c.1866A>G, p.Gln622= (NM_080413.3); c.-129+921A>G (NM_002836.4).
Identifiers: ClinVar variation 4821885 (VCV004821885.4).

ClinVar aggregate classification (germline): Likely benign (1 of 4 stars; one submission).

gnomAD v4.1: 132 of 1,613,938 alleles (0.0082%); highest among the groups gnomAD compares: African/African-American, 0.16%; no homozygotes.

Submission:

CeGaT Center for Human Genetics Tuebingen
Classification: Likely benign. Last evaluated: 2026-03-01. Review status: criteria provided, single submitter. Criteria: CeGaT Center For Human Genetics Tuebingen Variant Classification Criteria Version 2. Collection method: clinical testing. Allele origin: germline. Affected: yes. Observed: 1 variant allele.
Comment: VPS16: BP4, BP7